The following is an entry in ClinVar:

ClinVar aggregate classification (germline): Pathogenic (1 of 4 stars; one submission).

Submission:

Labcorp Genetics (formerly Invitae), Labcorp
Classification: Pathogenic. Last evaluated: 2024-05-22. Review status: criteria provided, single submitter. Criteria: Invitae Variant Classification Sherloc (09022015). Collection method: clinical testing. Allele origin: germline.
Comment: This sequence change creates a premature translational stop signal (p.Trp273*) in the ABCA4 gene. It is expected to result in an absent or disrupted protein product. Loss-of-function variants in ABCA4 are known to be pathogenic (PMID: 10958761, 24938718, 25312043, 26780318). This variant is not present in population databases (gnomAD no frequency). This premature translational stop signal has been observed in individual(s) with Stargardt Disease (PMID: 25444351, 30643219). ClinVar contains an entry for this variant (Variation ID: 2202807). Algorithms developed to predict the effect of sequence changes on RNA splicing suggest that this variant may disrupt the consensus splice site. For these reasons, this variant has been classified as Pathogenic.

Literature cited by the submitters: PubMed 10958761; PubMed 24938718; PubMed 25312043; PubMed 26780318; PubMed 25444351; PubMed 30643219.

NM_000350.3(ABCA4):c.818G>A (p.Trp273Ter)

Gene: ABCA4 (ATP binding cassette subfamily A member 4; minus strand). Cytogenetic location: 1p22.1.
Variant type: single nucleotide variant.
Coding change: c.818G>A on transcript NM_000350.3 (MANE Select); coding-DNA position 818, G replaced by A.
Protein change: p.Trp273Ter; replaces tryptophan 273 with a stop codon.
Molecular consequence: nonsense.
Genome position (GRCh38, 1-based): chr1:94,083,392, C>T on the plus strand (G>A on the coding strand, the complement: ABCA4 is on the minus strand). VCF-style: chr1-94083392-C-T. GRCh37 (hg19) VCF-style: chr1-94548948-C-T.
Other names: c.818G>A, p.Trp273Ter (NM_001425324.1); short protein forms W273*.
Identifiers: ClinVar variation 2202807 (VCV002202807.4), dbSNP rs1388510409, ClinGen allele CA341285066.